The following is an entry in ClinVar:

NM_000090.4(COL3A1):c.2338-2A>T

Genes: COL3A1 (collagen type III alpha 1 chain; plus strand), LOC126806446 (P300/CBP strongly-dependent group 1 enhancer GRCh37_chr2:189866210-189867409; plus strand). Cytogenetic location: 2q32.2.
Variant type: single nucleotide variant.
Coding change: c.2338-2A>T on transcript NM_000090.4 (MANE Select); the canonical splice acceptor site of the intron before coding-DNA position 2338, A replaced by T.
Molecular consequence: splice acceptor variant.
Genome position (GRCh38, 1-based): chr2:189,001,534, A>T. VCF-style: chr2-189001534-A-T. GRCh37 (hg19) VCF-style: chr2-189866260-A-T.
Identifiers: ClinVar variation 3724155 (VCV003724155.2).
Genomic context (GRCh38, chr2:189,001,534, plus strand): 5'-ATAAAAAGAAAATGTCTCTCTCTTTTGGATGCAAGACAGTGACATGGCTTCTCTTTTTCC[A>T]GGGTGAAGGTGGTGCCCCCGGACTTCCAGGTATAGCTGGACCTCGTGGTAGCCCTGTAAG-3'

ClinVar aggregate classification (germline): Likely pathogenic (1 of 4 stars; one submission).

Conditions:
Ehlers-Danlos syndrome, type 4 (EDSVASC). Also called: Ehlers-Danlos syndrome vascular type; Ehlers Danlos syndrome, ecchymotic type; Ehlers Danlos syndrome, arterial type; Ehlers Danlos syndrome, Sack-Barabas type; Ehlers-Danlos Syndrome Type IV. Identifiers: Orphanet 286, MedGen C0268338, MONDO:0017314, OMIM 130050.

Submission:

Labcorp Genetics (formerly Invitae), Labcorp
Classification: Likely pathogenic for Ehlers-Danlos syndrome, type 4. Last evaluated: 2025-01-01. Review status: criteria provided, single submitter. Criteria: Invitae Variant Classification Sherloc (09022015). Collection method: clinical testing. Allele origin: germline.
Comment: This sequence change affects an acceptor splice site in intron 33 of the COL3A1 gene. It is expected to disrupt RNA splicing. Variants that disrupt the donor or acceptor splice site typically lead to a loss of protein function (PMID: 16199547), and loss-of-function variants in COL3A1 are known to be pathogenic (PMID: 24922459). This variant is not present in population databases (gnomAD no frequency). This variant has not been reported in the literature in individuals affected with COL3A1-related conditions. Algorithms developed to predict the effect of sequence changes on RNA splicing suggest that this variant may disrupt the consensus splice site. In summary, the currently available evidence indicates that the variant is pathogenic, but additional data are needed to prove that conclusively. Therefore, this variant has been classified as Likely Pathogenic.

Literature cited by the submitters: PubMed 16199547; PubMed 24922459.